The following is an entry in ClinVar:

ClinVar aggregate classification (germline): Uncertain significance. Review status: criteria provided, multiple submitters, no conflicts (2 of 4 stars). 2 submissions from 2 submitters: Uncertain significance (2). Last evaluated 2026-06-09.

Conditions:
Familial thoracic aortic aneurysm and aortic dissection (TAAD). Also called: Thoracic aortic aneurysms and dissections. Identifiers: Orphanet 91387, MedGen C4707243, MONDO:0019625.

Allele frequency attached by ClinVar (database versions not stated): ExAC 0.00007; TOPMed 0.00001; gnomAD exomes 0.00005; gnomAD 0.00001.
gnomAD v4.1: 19 of 1,614,094 alleles (0.0012%); highest among the groups gnomAD compares: Non-Finnish European, 0.0014%; no homozygotes.

Submissions (2):

Ambry Genetics
Classification: Uncertain significance for Familial thoracic aortic aneurysm and aortic dissection. Last evaluated: 2026-06-09. Review status: criteria provided, single submitter. Criteria: Ambry Variant Classification Scheme 2023. Collection method: clinical testing. Allele origin: germline.
Comment: The p.N154K variant (also known as c.462C>G), located in coding exon 2 of the SLC2A10 gene, results from a C to G substitution at nucleotide position 462. The asparagine at codon 154 is replaced by lysine, an amino acid with similar properties. This amino acid position is conserved. In addition, the in silico prediction for this alteration is inconclusive. Based on the available evidence, the clinical significance of this variant remains unclear.

GeneDx
Classification: Uncertain significance. Last evaluated: 2019-09-19. Review status: criteria provided, single submitter. Criteria: GeneDx Variant Classification Process June 2021. Collection method: clinical testing. Allele origin: germline. Affected: yes.

NM_030777.4(SLC2A10):c.462C>G (p.Asn154Lys)

Gene: SLC2A10 (solute carrier family 2 member 10; plus strand). Cytogenetic location: 20q13.12.
Variant type: single nucleotide variant.
Coding change: c.462C>G on transcript NM_030777.4 (MANE Select); coding-DNA position 462, C replaced by G.
Protein change: p.Asn154Lys; replaces asparagine 154 with lysine.
Molecular consequence: missense variant.
Genome position (GRCh38, 1-based): chr20:46,725,498, C>G. VCF-style: chr20-46725498-C-G. GRCh37 (hg19) VCF-style: chr20-45354137-C-G.
Other names: short protein forms N154K.
Identifiers: ClinVar variation 222823 (VCV000222823.6), dbSNP rs769340563, ClinGen allele CA079994.